The following is an entry in ClinVar:

NM_012309.5(SHANK2):c.4220T>A (p.Phe1407Tyr)

Gene: SHANK2 (SH3 and multiple ankyrin repeat domains 2; minus strand). Cytogenetic location: 11q13.3.
Variant type: single nucleotide variant.
Coding change: c.4220T>A on transcript NM_012309.5 (MANE Select); coding-DNA position 4220, T replaced by A.
Protein change: p.Phe1407Tyr; replaces phenylalanine 1407 with tyrosine.
Molecular consequence: missense variant.
Genome position (GRCh38, 1-based): chr11:70,486,073, A>T on the plus strand (T>A on the coding strand, the complement: SHANK2 is on the minus strand). VCF-style: chr11-70486073-A-T. GRCh37 (hg19) VCF-style: chr11-70332178-A-T.
Other names: c.3083T>A, p.Phe1028Tyr (NM_001379226.1); c.4340T>A, p.Phe1447Tyr (NM_001441024.1); c.4169T>A, p.Phe1390Tyr (NM_001441025.1, NM_001441026.1, NM_001441027.1 and 8 more transcripts); c.4142T>A, p.Phe1381Tyr (NM_001441035.1, NM_001441036.1, NM_001441037.1); c.4097T>A, p.Phe1366Tyr (NM_001441038.1); c.3053T>A, p.Phe1018Tyr (NM_001441040.1); c.3005T>A, p.Phe1002Tyr (NM_001441041.1); c.2447T>A, p.Phe816Tyr (NM_001441042.1); and 6 more; short protein forms F1366Y, F775Y, F809Y, F816Y, F1002Y, F1447Y, F802Y, F1018Y.
Identifiers: ClinVar variation 5009357 (VCV005009357.1).

ClinVar aggregate classification (germline): Uncertain significance (1 of 4 stars; one submission).

Submission:

GeneDx
Classification: Uncertain significance. Last evaluated: 2026-03-19. Review status: criteria provided, single submitter. Criteria: GeneDx Variant Classification Process June 2021. Collection method: clinical testing. Allele origin: germline.
Comment: Not observed at significant frequency in large population cohorts (gnomAD); In silico analysis suggests that this missense variant does not alter protein structure/function; Has not been previously published as pathogenic or benign to our knowledge